The following is an entry in ClinVar:

NM_004415.4(DSP):c.8175C>A (p.Arg2725=)

Gene: DSP (desmoplakin; plus strand). Cytogenetic location: 6p24.3.
Variant type: single nucleotide variant.
Coding change: c.8175C>A on transcript NM_004415.4 (MANE Select); coding-DNA position 8175, C replaced by A.
Protein change: p.Arg2725=; no amino-acid change (arginine 2725 retained).
Molecular consequence: synonymous variant.
Genome position (GRCh38, 1-based): chr6:7,585,437, C>A. VCF-style: chr6-7585437-C-A. GRCh37 (hg19) VCF-style: chr6-7585670-C-A.
Other names: p.Arg2725=; c.6378C>A, p.Arg2126= (NM_001008844.3); c.6846C>A, p.Arg2282= (NM_001319034.2).
Identifiers: ClinVar variation 44961 (VCV000044961.40), dbSNP rs11558731, ClinGen allele CA007412.

ClinVar aggregate classification (germline): Benign. Review status: criteria provided, multiple submitters, no conflicts (2 of 4 stars). 18 submissions from 16 submitters: Benign (12). 6 of the submissions do not count toward it. Last evaluated 2026-02-03.

Conditions:
Cardiovascular phenotype. Identifiers: MedGen CN230736.
Arrhythmogenic cardiomyopathy with wooly hair and keratoderma. Also called: Dilated cardiomyopathy with woolly hair and keratoderma; Arrhythmogenic cardiomyopathy with woolly hair and keratoderma; PALMOPLANTAR KERATODERMA WITH LEFT VENTRICULAR CARDIOMYOPATHY AND WOOLLY HAIR; Carvajal syndrome. Identifiers: Orphanet 65282, MedGen C1854063, MONDO:0011581, OMIM 605676.
Arrhythmogenic right ventricular dysplasia 8 (ARVD8). Also called: Arrhythmogenic Right Ventricular Dysplasia/Cardiomyopathy 8; ARRHYTHMOGENIC RIGHT VENTRICULAR DYSPLASIA, FAMILIAL, 8; ARRHYTHMOGENIC RIGHT VENTRICULAR CARDIOMYOPATHY 8. Identifiers: MedGen C1843896, MONDO:0011831, OMIM 607450.
Cardiomyopathy (CMYO). Also called: Cardiomyopathies. Identifiers: Orphanet 167848, MedGen C0878544, MONDO:0004994, HP:0001638. Inheritance: Various modes of inheritance.
Lethal acantholytic epidermolysis bullosa (EBLA). Identifiers: Orphanet 158687, MedGen C1864826, MONDO:0012323, OMIM 609638.
Woolly hair-skin fragility syndrome (WHSF). Identifiers: Orphanet 293165, MedGen C1843292, MONDO:0957307, OMIM 620415.

Allele frequency attached by ClinVar (database versions not stated): 1000 Genomes Project 0.02396; 1000 Genomes Project 30x 0.02530; TOPMed 0.04277; gnomAD 0.04306 and 0.04375; ExAC 0.04600; ESP Exome Variant Server 0.04606.
gnomAD v4.1: 90,605 of 1,614,098 alleles (5.6%); highest among the groups gnomAD compares: Non-Finnish European, 6.6%; 2,881 homozygotes.

Submissions (18):

Labcorp Genetics (formerly Invitae), Labcorp
Classification: Benign for Arrhythmogenic cardiomyopathy with wooly hair and keratoderma; Arrhythmogenic right ventricular dysplasia 8. Last evaluated: 2026-02-03. Review status: criteria provided, single submitter. Criteria: Invitae Variant Classification Sherloc (09022015). Collection method: clinical testing. Allele origin: germline.

Molecular Diagnostic Laboratory for Inherited Cardiovascular Disease, Montreal Heart Institute
Classification: Benign. Last evaluated: 2025-02-17. Review status: criteria provided, single submitter. Criteria: ACMG Guidelines, 2015. Collection method: clinical testing. Allele origin: germline. Affected: no.

Blueprint Genetics
Classification: Benign. Last evaluated: 2024-11-26. Review status: criteria provided, single submitter. Criteria: ACMG Guidelines, 2015. Collection method: clinical testing. Allele origin: germline.

Color Diagnostics, LLC DBA Color Health
Classification: Benign for Cardiomyopathy. Last evaluated: 2018-04-08. Review status: criteria provided, single submitter. Criteria: ACMG Guidelines, 2015. Collection method: clinical testing. Allele origin: germline.

Illumina Laboratory Services, Illumina
Classification: Benign for Arrhythmogenic right ventricular dysplasia 8. Last evaluated: 2018-01-13. Review status: criteria provided, single submitter. Criteria: ICSL Variant Classification Criteria 13 December 2019. Collection method: clinical testing. Allele origin: germline.
Comment: This variant was observed in the ICSL laboratory as part of a predisposition screen in an ostensibly healthy population. It had not been previously curated by ICSL or reported in the Human Gene Mutation Database (HGMD: prior to June 1st, 2018), and was therefore a candidate for classification through an automated scoring system. Utilizing variant allele frequency, disease prevalence and penetrance estimates, and inheritance mode, an automated score was calculated to assess if this variant is too frequent to cause the disease. Based on the score and internal cut-off values, a variant classified as benign is not then subjected to further curation. The score for this variant resulted in a classification of benign for this disease.

Illumina Laboratory Services, Illumina
Classification: Benign for Lethal acantholytic epidermolysis bullosa. Last evaluated: 2018-01-13. Review status: criteria provided, single submitter. Criteria: ICSL Variant Classification Criteria 13 December 2019. Collection method: clinical testing. Allele origin: germline.
Comment: the same text as in the submission from Illumina Laboratory Services, Illumina above.

Illumina Laboratory Services, Illumina
Classification: Benign for Arrhythmogenic cardiomyopathy with wooly hair and keratoderma. Last evaluated: 2018-01-13. Review status: criteria provided, single submitter. Criteria: ICSL Variant Classification Criteria 13 December 2019. Collection method: clinical testing. Allele origin: germline.
Comment: the same text as in the submission from Illumina Laboratory Services, Illumina above.

Ambry Genetics
Classification: Benign for Cardiovascular phenotype. Last evaluated: 2015-06-26. Review status: criteria provided, single submitter. Criteria: Ambry Variant Classification Scheme 2023. Collection method: clinical testing. Allele origin: germline.

GeneDx
Classification: Benign. Last evaluated: 2015-03-03. Review status: criteria provided, single submitter. Criteria: GeneDx Variant Classification Process June 2021. Collection method: clinical testing. Allele origin: germline. Affected: yes.

Mayo Clinic Laboratories, Mayo Clinic
Classification: Benign. Last evaluated: 2014-08-06. Review status: criteria provided, single submitter. Criteria: ACMG Guidelines, 2015. Collection method: clinical testing. Allele origin: germline. Observed: 108 variant alleles.

Laboratory for Molecular Medicine, Mass General Brigham Personalized Medicine
Classification: Benign. Last evaluated: 2012-04-16. Review status: criteria provided, single submitter. Criteria: LMM Criteria. Collection method: clinical testing. Allele origin: germline. Observed: 215 variant alleles.
Comment: Arg2725Arg in exon 24 of DSP: This variant is not expected to have clinical sign ificance because it does not alter an amino acid residue and is not located with in the splice consensus sequence. It it has been identified in 6.5% (453/7020) o f European American chromosomes from a broad population by the NHLBI Exome Seque ncing Project (rs11558731).

PreventionGenetics, part of Exact Sciences
Classification: Benign. Review status: criteria provided, single submitter. Criteria: ACMG Guidelines, 2015. Collection method: clinical testing. Allele origin: germline.

Cohesion Phenomics
Classification: Benign for Cardiomyopathy. Last evaluated: 2022-09-23. Review status: no assertion criteria provided. Criteria: ACMG Guidelines, 2015. Collection method: clinical testing. Allele origin: germline. Affected: yes. Not counted in ClinVar's aggregate classification.

Clinical Genetics DNA and cytogenetics Diagnostics Lab, Erasmus MC, Erasmus Medical Center
Classification: Benign. Review status: no assertion criteria provided. Collection method: clinical testing. Allele origin: germline. Affected: yes. Study: VKGL Data-share Consensus. Not counted in ClinVar's aggregate classification.

Clinical Genetics, Academic Medical Center
Classification: Benign. Review status: no assertion criteria provided. Collection method: clinical testing. Allele origin: germline. Affected: yes. Study: VKGL Data-share Consensus. Not counted in ClinVar's aggregate classification.

Diagnostic Laboratory, Department of Genetics, University Medical Center Groningen
Classification: Benign. Review status: no assertion criteria provided. Collection method: clinical testing. Allele origin: germline. Affected: yes. Study: VKGL Data-share Consensus. Not counted in ClinVar's aggregate classification.

Genome Diagnostics Laboratory, University Medical Center Utrecht
Classification: Benign. Review status: no assertion criteria provided. Collection method: clinical testing. Allele origin: germline. Affected: yes. Study: VKGL Data-share Consensus. Not counted in ClinVar's aggregate classification.

Joint Genome Diagnostic Labs from Nijmegen and Maastricht, Radboudumc and MUMC+
Classification: Benign. Review status: no assertion criteria provided. Collection method: clinical testing. Allele origin: germline. Affected: yes. Study: VKGL Data-share Consensus. Not counted in ClinVar's aggregate classification.